The following is an entry in ClinVar:

ClinVar aggregate classification (germline): Uncertain significance (1 of 4 stars; one submission).

gnomAD v4.1: 2 of 1,613,470 alleles (0.00012%); highest among the groups gnomAD compares: Non-Finnish European, 0.00017%; no homozygotes.

Submission:

Labcorp Genetics (formerly Invitae), Labcorp
Classification: Uncertain significance. Last evaluated: 2021-08-12. Review status: criteria provided, single submitter. Criteria: Invitae Variant Classification Sherloc (09022015). Collection method: clinical testing. Allele origin: germline.
Comment: In summary, the available evidence is currently insufficient to determine the role of this variant in disease. Therefore, it has been classified as a Variant of Uncertain Significance. Algorithms developed to predict the effect of missense changes on protein structure and function output the following: SIFT: "Deleterious"; PolyPhen-2: "Possibly Damaging"; Align-GVGD: "Class C0". The arginine amino acid residue is found in multiple mammalian species, which suggests that this missense change does not adversely affect protein function. This variant has not been reported in the literature in individuals affected with TOP2B-related conditions. This variant is not present in population databases (ExAC no frequency). This sequence change replaces lysine with arginine at codon 1561 of the TOP2B protein (p.Lys1561Arg). The lysine residue is moderately conserved and there is a small physicochemical difference between lysine and arginine.

NM_001330700.2(TOP2B):c.4697A>G (p.Lys1566Arg)

Gene: TOP2B (DNA topoisomerase II beta; minus strand). Cytogenetic location: 3p24.2.
Variant type: single nucleotide variant.
Coding change: c.4697A>G on transcript NM_001330700.2 (MANE Select); coding-DNA position 4697, A replaced by G.
Protein change: p.Lys1566Arg; replaces lysine 1566 with arginine.
Molecular consequence: missense variant.
Genome position (GRCh38, 1-based): chr3:25,599,448, T>C on the plus strand (A>G on the coding strand, the complement: TOP2B is on the minus strand). VCF-style: chr3-25599448-T-C. GRCh37 (hg19) VCF-style: chr3-25640939-T-C.
Other names: c.4682A>G, p.Lys1561Arg (NM_001068.3); short protein forms K1561R, K1566R.
Identifiers: ClinVar variation 1387716 (VCV001387716.6), dbSNP rs2125338767, ClinGen allele CA351890250.
Genomic context (GRCh38, chr3:25,599,448, plus strand): 5'-TTTTTTTAAAAAGCCATGCACTAATATGCAATGATGTTCCCGGTTACCTTGCTTGTTGTT[T>C]TGGATGTTTTCCTGCCAGGGTTATAATCGCCTTCATTTTCAGAGCCAGATGCTTTCCTTT-3'
Protein context (NP_001317629.1, residues 1556-1576): GDYNPGRKTS[Lys1566Arg]TTSKKPKKTS